The following is an entry in ClinVar:

ClinVar aggregate classification (germline): Likely benign. Review status: criteria provided, multiple submitters, no conflicts (2 of 4 stars). 5 submissions from 5 submitters: Likely benign (5). Last evaluated 2026-06-01.

Conditions:
Cardiovascular phenotype. Identifiers: MedGen CN230736.
Autosomal recessive limb-girdle muscular dystrophy type 2J (LGMDR10). Also called: Limb-girdle muscular dystrophy, type 2J; MUSCULAR DYSTROPHY, LIMB-GIRDLE, AUTOSOMAL RECESSIVE 10. Identifiers: Orphanet 140922, MedGen C1837342, MONDO:0012127, OMIM 608807.
Dilated cardiomyopathy 1G (CMD1G). Identifiers: Orphanet 154, MedGen C1858763, MONDO:0011400, OMIM 604145.
TTN-related disorder. Also called: TTN-related disorders; TTN-related condition; TTN-related disease.

Allele frequency attached by ClinVar (database versions not stated): ExAC 0.00002; gnomAD exomes 0.00002; gnomAD 0.00007; TOPMed 0.00009; 1000 Genomes Project 30x 0.00016; 1000 Genomes Project 0.00020.
gnomAD v4.1: 41 of 1,614,128 alleles (0.0025%); highest among the groups gnomAD compares: African/African-American, 0.019%; no homozygotes.

Submissions (5):

CeGaT Center for Human Genetics Tuebingen
Classification: Likely benign. Last evaluated: 2026-06-01. Review status: criteria provided, single submitter. Criteria: CeGaT Center For Human Genetics Tuebingen Variant Classification Criteria Version 2. Collection method: clinical testing. Allele origin: germline. Affected: yes. Observed: 2 variant alleles.
Comment: TTN: BP4, BP7

PreventionGenetics, part of Exact Sciences
Classification: Likely benign for TTN-related condition. Last evaluated: 2026-05-17. Review status: criteria provided, single submitter. Criteria: ACMG Guidelines, 2015. Collection method: clinical testing. Allele origin: germline.
Comment: This variant is classified as likely benign based on ACMG/AMP sequence variant interpretation guidelines (Richards et al. 2015 PMID: 25741868, with internal and published modifications).

Labcorp Genetics (formerly Invitae), Labcorp
Classification: Likely benign for Dilated cardiomyopathy 1G; Autosomal recessive limb-girdle muscular dystrophy type 2J. Last evaluated: 2026-01-31. Review status: criteria provided, single submitter. Criteria: Invitae Variant Classification Sherloc (09022015). Collection method: clinical testing. Allele origin: germline.

Blueprint Genetics
Classification: Likely benign. Last evaluated: 2022-02-04. Review status: criteria provided, single submitter. Criteria: ACMG Guidelines, 2015. Collection method: clinical testing. Allele origin: germline.

Ambry Genetics
Classification: Likely benign for Cardiovascular phenotype. Last evaluated: 2020-09-21. Review status: criteria provided, single submitter. Criteria: Ambry Variant Classification Scheme 2023. Collection method: clinical testing. Allele origin: germline.

NM_001267550.2(TTN):c.1296C>T (p.Ala432=)

Gene: TTN (titin; minus strand). Cytogenetic location: 2q31.2.
Variant type: single nucleotide variant.
Coding change: c.1296C>T on transcript NM_001267550.2 (MANE Select); coding-DNA position 1296, C replaced by T.
Protein change: p.Ala432=; no amino-acid change (alanine 432 retained).
Molecular consequence: synonymous variant.
Genome position (GRCh38, 1-based): chr2:178,794,501, G>A on the plus strand (C>T on the coding strand, the complement: TTN is on the minus strand). VCF-style: chr2-178794501-G-A. GRCh37 (hg19) VCF-style: chr2-179659228-G-A.
Other names: c.1296C>T, p.Ala432= (NM_001256850.1, NM_003319.4, NM_133378.4 and 3 more transcripts).
Identifiers: ClinVar variation 698172 (VCV000698172.39), dbSNP rs549880126, ClinGen allele CA2006096.